The following is an entry in ClinVar:

ClinVar aggregate classification (germline): Uncertain significance (1 of 4 stars; one submission).

Conditions:
Microcephaly 22, primary, autosomal recessive. Identifiers: MedGen C4693834, MONDO:0054805, OMIM 617984.

Submission:

Neuberg Centre For Genomic Medicine, NCGM
Classification: Uncertain significance for Microcephaly 22, primary, autosomal recessive. Review status: criteria provided, single submitter. Criteria: ACMG Guidelines, 2015. Collection method: clinical testing. Allele origin: germline. Inheritance: Autosomal recessive inheritance. Affected: yes.
Comment: The missense variant in c.1621A>G (p.Asn541Asp) in CACNA1E gene has not been reported previously as a pathogenic variant nor as a benign variant, to our knowledge. The p.Lys1343Thr variant is absent in gnomAD Exomes database. This variant has not been submitted to the ClinVar database. Multiple lines of computational evidence (Polyphen - Benign, SIFT - Tolerated and MutationTaster - Polymorphism) predict no damaging effect on protein structure and function for this variant. The reference amino acid in NCAPD3 is predicted as conserved by GERP++. The amino acid Lys at position 1343 is changed to a Thr changing protein sequence and it might alter its composition and physico-chemical properties. For these reasons, this variant has been classified as Uncertain Significance (VUS).

NM_015261.3(NCAPD3):c.4028A>C (p.Lys1343Thr)

Gene: NCAPD3 (non-SMC condensin II complex subunit D3; minus strand). Cytogenetic location: 11q25.
Variant type: single nucleotide variant.
Coding change: c.4028A>C on transcript NM_015261.3 (MANE Select); coding-DNA position 4028, A replaced by C.
Protein change: p.Lys1343Thr; replaces lysine 1343 with threonine.
Molecular consequence: missense variant.
Genome position (GRCh38, 1-based): chr11:134,158,335, T>G on the plus strand (A>C on the coding strand, the complement: NCAPD3 is on the minus strand). VCF-style: chr11-134158335-T-G. GRCh37 (hg19) VCF-style: chr11-134028230-T-G.
Other names: c.4028A>C, p.Lys1343Thr (NM_001372065.1, NM_001372068.1); c.3614A>C, p.Lys1205Thr (NM_001372069.1, NM_001372070.1); short protein forms K1205T, K1343T.
Identifiers: ClinVar variation 3362842 (VCV003362842.3).